The following is an entry in ClinVar:

ClinVar aggregate classification (germline): Likely benign (0 of 4 stars; one submission).

Conditions:
IGSF10-related disorder. Also called: IGSF10-related condition.

gnomAD v4.1: 112 of 1,614,222 alleles (0.0069%); highest among the groups gnomAD compares: South Asian, 0.12%; 3 homozygotes.

Submission:

PreventionGenetics, part of Exact Sciences
Classification: Likely benign for IGSF10-related condition. Last evaluated: 2024-08-26. Review status: no assertion criteria provided. Collection method: clinical testing. Allele origin: germline.
Comment: This variant is classified as likely benign based on ACMG/AMP sequence variant interpretation guidelines (Richards et al. 2015 PMID: 25741868, with internal and published modifications).

NM_178822.5(IGSF10):c.4154C>G (p.Ser1385Ter)

Gene: IGSF10 (immunoglobulin superfamily member 10; minus strand). Cytogenetic location: 3q25.1.
Variant type: single nucleotide variant.
Coding change: c.4154C>G on transcript NM_178822.5 (MANE Select); coding-DNA position 4154, C replaced by G.
Protein change: p.Ser1385Ter; replaces serine 1385 with a stop codon.
Molecular consequence: nonsense.
Genome position (GRCh38, 1-based): chr3:151,445,827, G>C on the plus strand (C>G on the coding strand, the complement: IGSF10 is on the minus strand). VCF-style: chr3-151445827-G-C. GRCh37 (hg19) VCF-style: chr3-151163615-G-C.
Other names: c.4154C>G, p.Ser1385Ter (NM_001385060.1, NM_001385061.1, NM_001385062.1 and 1 more transcripts); short protein forms S1385*.
Identifiers: ClinVar variation 3358796 (VCV003358796.1).
Genomic context (GRCh38, chr3:151,445,827, plus strand): 5'-GAAATCCCAGTTGTGTTTTCTGGTGGGGAATGAGTGAATGCAGAGACACTGGGCTTGACT[G>C]AAGTTTCGGCTGTGGTTAGAACAGGAGGTGTCATAGCAGTGGGTGTAGTGAAGCCAGAAC-3'